The following is an entry in ClinVar:

NM_015295.3(SMCHD1):c.3607A>G (p.Ser1203Gly)

Gene: SMCHD1 (structural maintenance of chromosomes flexible hinge domain containing 1; plus strand). Cytogenetic location: 18p11.32.
Variant type: single nucleotide variant.
Coding change: c.3607A>G on transcript NM_015295.3 (MANE Select); coding-DNA position 3607, A replaced by G.
Protein change: p.Ser1203Gly; replaces serine 1203 with glycine.
Molecular consequence: missense variant.
Genome position (GRCh38, 1-based): chr18:2,740,795, A>G. VCF-style: chr18-2740795-A-G. GRCh37 (hg19) VCF-style: chr18-2740793-A-G.
Other names: short protein forms S1203G.
Identifiers: ClinVar variation 2818919 (VCV002818919.3), dbSNP rs2075335659, ClinGen allele CA401688845.

ClinVar aggregate classification (germline): Uncertain significance (1 of 4 stars; one submission).

Conditions:
Facioscapulohumeral muscular dystrophy 2 (FSHD2). Also called: MUSCULAR DYSTROPHY, FACIOSCAPULOHUMERAL, TYPE 1B; FACIOSCAPULOHUMERAL MUSCULAR DYSTROPHY 2, DIGENIC; FSHD2, DIGENIC. Identifiers: Orphanet 269, MedGen C1834671, MONDO:0008031, OMIM 158901.

Allele frequency attached by ClinVar (database versions not stated): TOPMed below 0.00001.

Submission:

Labcorp Genetics (formerly Invitae), Labcorp
Classification: Uncertain significance for Facioscapulohumeral muscular dystrophy 2. Last evaluated: 2024-01-18. Review status: criteria provided, single submitter. Criteria: Invitae Variant Classification Sherloc (09022015). Collection method: clinical testing. Allele origin: germline.
Comment: This sequence change replaces serine, which is neutral and polar, with glycine, which is neutral and non-polar, at codon 1203 of the SMCHD1 protein (p.Ser1203Gly). This variant is not present in population databases (gnomAD no frequency). This variant has not been reported in the literature in individuals affected with SMCHD1-related conditions. Advanced modeling of protein sequence and biophysical properties (such as structural, functional, and spatial information, amino acid conservation, physicochemical variation, residue mobility, and thermodynamic stability) performed at Invitae indicates that this missense variant is not expected to disrupt SMCHD1 protein function with a negative predictive value of 80%. In summary, the available evidence is currently insufficient to determine the role of this variant in disease. Therefore, it has been classified as a Variant of Uncertain Significance.